The following is an entry in ClinVar:

NM_001278716.2(FBXL4):c.1285A>G (p.Lys429Glu)

Gene: FBXL4 (F-box and leucine rich repeat protein 4; minus strand). Cytogenetic location: 6q16.1.
Variant type: single nucleotide variant.
Coding change: c.1285A>G on transcript NM_001278716.2 (MANE Select); coding-DNA position 1285, A replaced by G.
Protein change: p.Lys429Glu; replaces lysine 429 with glutamic acid.
Molecular consequence: missense variant. On other transcripts: non-coding transcript variant (2).
Genome position (GRCh38, 1-based): chr6:98,899,300, T>C on the plus strand (A>G on the coding strand, the complement: FBXL4 is on the minus strand). VCF-style: chr6-98899300-T-C. GRCh37 (hg19) VCF-style: chr6-99347176-T-C.
Other names: c.1285A>G, p.Lys429Glu (NM_012160.5); c.1285A>G (NM_012160.3); short protein forms K429E.
Identifiers: ClinVar variation 437723 (VCV000437723.5), dbSNP rs1554218803, ClinGen allele CA16020680.

ClinVar aggregate classification (germline): Uncertain significance. Review status: criteria provided, multiple submitters, no conflicts (2 of 4 stars). 3 submissions from 3 submitters: Uncertain significance (3). Last evaluated 2023-11-09.

Conditions:
Mitochondrial DNA depletion syndrome 13. Also called: FBXL4-Related Encephalomyopathic Mitochondrial DNA Depletion Syndrome; Mitochondrial DNA depletion syndrome 13 (encephalomyopathic type). Identifiers: Orphanet 369897, MedGen C3809592, MONDO:0014198, OMIM 615471.

Allele frequency attached by ClinVar (database versions not stated): gnomAD exomes below 0.00001; gnomAD 0.00002; TOPMed 0.00006.
gnomAD v4.1: 8 of 1,613,920 alleles (0.0005%); highest among the groups gnomAD compares: Admixed American, 0.01%; no homozygotes.

Submissions (3):

GeneDx
Classification: Uncertain significance. Last evaluated: 2023-11-09. Review status: criteria provided, single submitter. Criteria: GeneDx Variant Classification Process June 2021. Collection method: clinical testing. Allele origin: germline. Affected: yes.
Comment: Has not been previously published as pathogenic or benign to our knowledge; Not observed at significant frequency in large population cohorts (gnomAD); In silico analysis supports that this missense variant does not alter protein structure/function

Labcorp Genetics (formerly Invitae), Labcorp
Classification: Uncertain significance. Last evaluated: 2022-08-23. Review status: criteria provided, single submitter. Criteria: Invitae Variant Classification Sherloc (09022015). Collection method: clinical testing. Allele origin: germline.
Comment: This sequence change replaces lysine, which is basic and polar, with glutamic acid, which is acidic and polar, at codon 429 of the FBXL4 protein (p.Lys429Glu). This variant is not present in population databases (gnomAD no frequency). This variant has not been reported in the literature in individuals affected with FBXL4-related conditions. ClinVar contains an entry for this variant (Variation ID: 437723). Advanced modeling of protein sequence and biophysical properties (such as structural, functional, and spatial information, amino acid conservation, physicochemical variation, residue mobility, and thermodynamic stability) performed at Invitae indicates that this missense variant is not expected to disrupt FBXL4 protein function. In summary, the available evidence is currently insufficient to determine the role of this variant in disease. Therefore, it has been classified as a Variant of Uncertain Significance.

Wong Mito Lab, Molecular and Human Genetics, Baylor College of Medicine
Classification: Uncertain significance for Mitochondrial DNA depletion syndrome 13. Last evaluated: 2017-08-10. Review status: criteria provided, single submitter. Criteria: ACMG Guidelines, 2015. Collection method: reference population. Allele origin: germline.
Comment: The NM_012160.4:c.1285A>G (NP_036292.2:p.Lys429Glu) [GRCH38: NC_000006.12:g.98899300T>C] variant in FBXL4 gene is interpretated to be a Uncertain Significance - Conflicting Evidence based on ACMG guidelines (PMID: 25741868). This variant meets one or more of the following evidence codes reported in the ACMG-guideline. PM2:This variant is absent in key population databases. BP4:Computational evidence/predictors indicate no impact on the FBXL4 structure, function, or protein-protein interaction. Based on this evidence code ClinGen Pathogenicity Calculator (PMID:28081714) suggested that the variant is Uncertain Significance - Conflicting Evidence.